The following is an entry in ClinVar:

NM_017841.4(SDHAF2):c.261-12T>C

Gene: SDHAF2 (succinate dehydrogenase complex assembly factor 2; plus strand). Cytogenetic location: 11q12.2.
Variant type: single nucleotide variant.
Coding change: c.261-12T>C on transcript NM_017841.4 (MANE Select); 12 bases into the intron before coding-DNA position 261, T replaced by C.
Molecular consequence: intron variant.
Genome position (GRCh38, 1-based): chr11:61,437,992, T>C. VCF-style: chr11-61437992-T-C. GRCh37 (hg19) VCF-style: chr11-61205464-T-C.
Identifiers: ClinVar variation 5042135 (VCV005042135.1).

ClinVar aggregate classification (germline): Likely benign (1 of 4 stars; one submission).

Conditions:
Pheochromocytoma/paraganglioma syndrome 2. Also called: SDHAF2-Related Hereditary Paraganglioma-Pheochromocytoma Syndrome; GLOMUS TUMORS, FAMILIAL, 2; Paragangliomas 2; SDHAF2-Related Hereditary Paraganglioma-Pheochromocytoma Syndrome (Paragangliomas 2). Identifiers: Orphanet 29072, MedGen C1866552, MONDO:0011121, OMIM 601650.

Submission:

Myriad Genetics, Inc.
Classification: Likely benign for Pheochromocytoma/paraganglioma syndrome 2. Last evaluated: 2026-08-04. Review status: criteria provided, single submitter. Criteria: Myriad Autosomal Dominant, Autosomal Recessive and X-Linked Classification Criteria (2023). Collection method: clinical testing. Allele origin: unknown.
Comment: This variant is considered likely benign. This variant is intronic and is not expected to impact mRNA splicing.